The following is an entry in ClinVar:

NM_002075.4(GNB3):c.691G>A (p.Ala231Thr)

Gene: GNB3 (G protein subunit beta 3; plus strand). Cytogenetic location: 12p13.31.
Variant type: single nucleotide variant.
Coding change: c.691G>A on transcript NM_002075.4 (MANE Select); coding-DNA position 691, G replaced by A.
Protein change: p.Ala231Thr; replaces alanine 231 with threonine.
Molecular consequence: missense variant.
Genome position (GRCh38, 1-based): chr12:6,843,970, G>A. VCF-style: chr12-6843970-G-A. GRCh37 (hg19) VCF-style: chr12-6953134-G-A.
Other names: c.688G>A, p.Ala230Thr (NM_001297571.2); c.691G>A (NM_002075.2); short protein forms A231T, A230T.
Identifiers: ClinVar variation 2203068 (VCV002203068.6), dbSNP rs781969884, ClinGen allele CA6417621.

ClinVar aggregate classification (germline): Uncertain significance. Review status: criteria provided, multiple submitters, no conflicts (2 of 4 stars). 3 submissions from 3 submitters: Uncertain significance (3). Last evaluated 2025-11-21.

Conditions:
Inborn genetic diseases. Identifiers: MedGen C0950123, MeSH D030342.

Allele frequency attached by ClinVar (database versions not stated): TOPMed 0.00001; ExAC 0.00003.

Submissions (3):

Labcorp Genetics (formerly Invitae), Labcorp
Classification: Uncertain significance. Last evaluated: 2025-11-21. Review status: criteria provided, single submitter. Criteria: Invitae Variant Classification Sherloc (09022015). Collection method: clinical testing. Allele origin: germline.
Comment: This sequence change replaces alanine, which is neutral and non-polar, with threonine, which is neutral and polar, at codon 231 of the GNB3 protein (p.Ala231Thr). This variant is present in population databases (rs781969884, gnomAD 0.003%). This variant has not been reported in the literature in individuals affected with GNB3-related conditions. ClinVar contains an entry for this variant (Variation ID: 2203068). Invitae Evidence Modeling of protein sequence and biophysical properties (such as structural, functional, and spatial information, amino acid conservation, physicochemical variation, residue mobility, and thermodynamic stability) indicates that this missense variant is not expected to disrupt GNB3 protein function with a negative predictive value of 80%. In summary, the available evidence is currently insufficient to determine the role of this variant in disease. Therefore, it has been classified as a Variant of Uncertain Significance.

Ambry Genetics
Classification: Uncertain significance for Inborn genetic diseases. Last evaluated: 2025-01-18. Review status: criteria provided, single submitter. Criteria: Ambry Variant Classification Scheme 2023. Collection method: clinical testing. Allele origin: germline.

Blueprint Genetics
Classification: Uncertain significance. Last evaluated: 2023-06-28. Review status: criteria provided, single submitter. Criteria: ACMG Guidelines, 2015. Collection method: clinical testing. Allele origin: germline.